The following is an entry in ClinVar:

ClinVar aggregate classification (germline): Benign/Likely benign. Review status: criteria provided, multiple submitters, no conflicts (2 of 4 stars). 10 submissions from 9 submitters: Benign (5); Likely benign (2). 3 of the submissions do not count toward it. Last evaluated 2026-02-04.

Conditions:
Usher syndrome type 1 (USH1). Also called: RETINITIS PIGMENTOSA AND CONGENITAL DEAFNESS. Identifiers: Orphanet 231169, Orphanet 886, MedGen C1568247, MONDO:0010168, OMIM 276900.
Autosomal recessive nonsyndromic hearing loss 12. Also called: DEAFNESS, AUTOSOMAL RECESSIVE 12. Identifiers: Orphanet 90636, MedGen C1832394, MONDO:0011067, OMIM 601386.
Usher syndrome type 1D (USH1D). Also called: USHER SYNDROME, TYPE ID. Identifiers: Orphanet 231169, Orphanet 886, MedGen C1832845, MONDO:0010984, OMIM 601067.

Allele frequency attached by ClinVar (database versions not stated): gnomAD 0.00069 and 0.00137; ESP Exome Variant Server 0.00077; TOPMed 0.00085; gnomAD exomes 0.00171 and 0.00279; ExAC 0.00306; 1000 Genomes Project 30x 0.00562; 1000 Genomes Project 0.00619.
gnomAD v4.1: 2,718 of 1,614,072 alleles (0.17%); highest among the groups gnomAD compares: South Asian, 1.7%; 28 homozygotes.

Submissions (10):

Labcorp Genetics (formerly Invitae), Labcorp
Classification: Benign. Last evaluated: 2026-02-04. Review status: criteria provided, single submitter. Criteria: Invitae Variant Classification Sherloc (09022015). Collection method: clinical testing. Allele origin: germline.

GeneDx
Classification: Benign. Last evaluated: 2019-02-15. Review status: criteria provided, single submitter. Criteria: GeneDx Variant Classification Process June 2021. Collection method: clinical testing. Allele origin: germline. Affected: yes.
Comment: This variant is associated with the following publications: (PMID: 12075507, 22135276, 29148562)

Illumina Laboratory Services, Illumina
Classification: Benign for Usher syndrome type 1D. Last evaluated: 2017-04-27. Review status: criteria provided, single submitter. Criteria: ICSL Variant Classification Criteria 13 December 2019. Collection method: clinical testing. Allele origin: germline.
Comment: This variant was observed as part of a predisposition screen in an ostensibly healthy population. A literature search was performed for the gene, cDNA change, and amino acid change (where applicable). Publications were found based on this search. The evidence from the literature, in combination with allele frequency data from public databases where available, was sufficient to rule this variant out of causing disease. Therefore, this variant is classified as benign.

Illumina Laboratory Services, Illumina
Classification: Likely benign for Autosomal recessive nonsyndromic hearing loss 12. Last evaluated: 2017-04-27. Review status: criteria provided, single submitter. Criteria: ICSL Variant Classification Criteria 13 December 2019. Collection method: clinical testing. Allele origin: germline.
Comment: This variant was observed as part of a predisposition screen in an ostensibly healthy population. A literature search was performed for the gene, cDNA change, and amino acid change (where applicable). Publications were found based on this search. The evidence from the literature, in combination with allele frequency data from public databases where available, was sufficient to determine this variant is unlikely to cause disease. Therefore, this variant is classified as likely benign.

Laboratory for Molecular Medicine, Mass General Brigham Personalized Medicine
Classification: Benign. Last evaluated: 2015-08-26. Review status: criteria provided, single submitter. Criteria: LMM Criteria. Collection method: clinical testing. Allele origin: germline. Observed: 4 variant alleles.
Comment: Asn1847Asn in exon 43 of CDH23: This variant is not expected to have clinical si gnificance because it does not alter an amino acid residue, is not located withi n the splice consensus sequence, and has been identified in 1.6% (269/16510) of South Asian chromosomes by the Exome Aggregation Consortium (ExAC; dbSNP rs148632119)

Eurofins Ntd Llc (ga)
Classification: Benign. Last evaluated: 2014-11-17. Review status: criteria provided, single submitter. Criteria: EGL Classification Definitions 2015. Collection method: clinical testing. Allele origin: germline. Observed: 1 variant allele, 1 heterozygote.

Breakthrough Genomics
Classification: Likely benign. Review status: criteria provided, single submitter. Criteria: ACMG Guidelines, 2015. Collection method: not provided. Allele origin: germline. Inheritance: Autosomal recessive inheritance. Affected: yes.

Natera, Inc.
Classification: Benign for Usher syndrome type 1. Last evaluated: 2019-12-06. Review status: no assertion criteria provided. Collection method: clinical testing. Allele origin: germline. Not counted in ClinVar's aggregate classification.

Clinical Genetics DNA and cytogenetics Diagnostics Lab, Erasmus MC, Erasmus Medical Center
Classification: Likely benign. Review status: no assertion criteria provided. Collection method: clinical testing. Allele origin: germline. Affected: yes. Study: VKGL Data-share Consensus. Not counted in ClinVar's aggregate classification.

Clinical Genetics, Academic Medical Center
Classification: Benign. Review status: no assertion criteria provided. Collection method: clinical testing. Allele origin: germline. Affected: yes. Study: VKGL Data-share Consensus. Not counted in ClinVar's aggregate classification.

Literature cited by the submitters: PubMed 12075507 (cited by Illumina Laboratory Services, Illumina and Laboratory for Molecular Medicine, Mass General Brigham Personalized Medicine).

NM_022124.6(CDH23):c.5541C>T (p.Asn1847=)

Gene: CDH23 (cadherin related 23; plus strand). Cytogenetic location: 10q22.1.
Variant type: single nucleotide variant.
Coding change: c.5541C>T on transcript NM_022124.6 (MANE Select); coding-DNA position 5541, C replaced by T.
Protein change: p.Asn1847=; no amino-acid change (asparagine 1847 retained).
Molecular consequence: synonymous variant.
Genome position (GRCh38, 1-based): chr10:71,784,929, C>T. VCF-style: chr10-71784929-C-T. GRCh37 (hg19) VCF-style: chr10-73544686-C-T.
Identifiers: ClinVar variation 45985 (VCV000045985.26), dbSNP rs148632119, ClinGen allele CA137498.
Genomic context (GRCh38, chr10:71,784,929, plus strand): 5'-CCTCCTTCTCTGACTGGCCCAGATGCTGGTGGGGATCCGGGTGCTGGACATCAACGACAA[C>T]GACCCTGTGCTGCTGAACCTGCCCATGAACATCACCATCAGCGAGAACAGCCCTGTCTCC-3'
Protein context (NP_071407.4, residues 1837-1857): VGIRVLDIND[Asn1847=]DPVLLNLPMN